The following is an entry in ClinVar:

NM_001735.3(C5):c.3406G>A (p.Glu1136Lys)

Gene: C5 (complement C5; minus strand). Cytogenetic location: 9q33.2.
Variant type: single nucleotide variant.
Coding change: c.3406G>A on transcript NM_001735.3 (MANE Select); coding-DNA position 3406, G replaced by A.
Protein change: p.Glu1136Lys; replaces glutamic acid 1136 with lysine.
Molecular consequence: missense variant.
Genome position (GRCh38, 1-based): chr9:120,981,924, C>T on the plus strand (G>A on the coding strand, the complement: C5 is on the minus strand). VCF-style: chr9-120981924-C-T. GRCh37 (hg19) VCF-style: chr9-123744202-C-T.
Other names: c.3424G>A, p.Glu1142Lys (NM_001317163.2); short protein forms E1136K, E1142K.
Identifiers: ClinVar variation 1492706 (VCV001492706.8), dbSNP rs776547091, ClinGen allele CA5217483.
Genomic context (GRCh38, chr9:120,981,924, plus strand): 5'-AAGCCTTTCTAATTCCAATCACAGTAAAGGCTGTAAGATATAAGCTGTTCTCTCGGGCTT[C>T]AACAGGCAAGGTACCCTAAAAAGAAGCAATGTTTTAAAAGGGGAGTGAAATGGTGTCTTT-3'
Protein context (NP_001726.2, residues 1126-1146): PIKLQGTLPV[Glu1136Lys]ARENSLYLTA

ClinVar aggregate classification (germline): Uncertain significance (1 of 4 stars; one submission).

Allele frequency attached by ClinVar (database versions not stated): gnomAD exomes below 0.00001 and 0.00001; ExAC 0.00001.
gnomAD v4.1: 3 of 1,613,644 alleles (0.00019%); highest among the groups gnomAD compares: Non-Finnish European, 0.00017%; no homozygotes.

Submission:

Labcorp Genetics (formerly Invitae), Labcorp
Classification: Uncertain significance. Last evaluated: 2022-07-12. Review status: criteria provided, single submitter. Criteria: Invitae Variant Classification Sherloc (09022015). Collection method: clinical testing. Allele origin: germline.
Comment: In summary, the available evidence is currently insufficient to determine the role of this variant in disease. Therefore, it has been classified as a Variant of Uncertain Significance. Algorithms developed to predict the effect of missense changes on protein structure and function (SIFT, PolyPhen-2, Align-GVGD) all suggest that this variant is likely to be tolerated. ClinVar contains an entry for this variant (Variation ID: 1492706). This variant has not been reported in the literature in individuals affected with C5-related conditions. This variant is present in population databases (rs776547091, gnomAD 0.002%). This sequence change replaces glutamic acid, which is acidic and polar, with lysine, which is basic and polar, at codon 1136 of the C5 protein (p.Glu1136Lys).